The following is an entry in ClinVar:

ClinVar aggregate classification (germline): Uncertain significance (1 of 4 stars; one submission).

Conditions:
Duchenne muscular dystrophy (DMD). Also called: Duchenne Muscular Dystrophy (DMD); MUSCULAR DYSTROPHY, PSEUDOHYPERTROPHIC PROGRESSIVE, DUCHENNE TYPE. Identifiers: Orphanet 98896, MedGen C0013264, MONDO:0010679, OMIM 310200.

Submission:

Labcorp Genetics (formerly Invitae), Labcorp
Classification: Uncertain significance for Duchenne muscular dystrophy. Last evaluated: 2022-06-27. Review status: criteria provided, single submitter. Criteria: Invitae Variant Classification Sherloc (09022015). Collection method: clinical testing. Allele origin: germline.
Comment: In summary, the available evidence is currently insufficient to determine the role of this variant in disease. Therefore, it has been classified as a Variant of Uncertain Significance. This sequence change replaces leucine, which is neutral and non-polar, with phenylalanine, which is neutral and non-polar, at codon 496 of the DMD protein (p.Leu496Phe). This variant is not present in population databases (gnomAD no frequency). This variant has not been reported in the literature in individuals affected with DMD-related conditions. Algorithms developed to predict the effect of missense changes on protein structure and function are either unavailable or do not agree on the potential impact of this missense change (SIFT: "Tolerated"; PolyPhen-2: "Probably Damaging"; Align-GVGD: "Class C0").

NM_004006.3(DMD):c.1486C>T (p.Leu496Phe)

Gene: DMD (dystrophin; minus strand). Cytogenetic location: Xp21.1.
Variant type: single nucleotide variant.
Coding change: c.1486C>T on transcript NM_004006.3 (MANE Select); coding-DNA position 1486, C replaced by T.
Protein change: p.Leu496Phe; replaces leucine 496 with phenylalanine.
Molecular consequence: missense variant.
Genome position (GRCh38, 1-based): chrX:32,595,873, G>A on the plus strand (C>T on the coding strand, the complement: DMD is on the minus strand). VCF-style: chrX-32595873-G-A. GRCh37 (hg19) VCF-style: chrX-32613990-G-A.
Other names: c.1462C>T, p.Leu488Phe (NM_000109.4); c.1474C>T, p.Leu492Phe (NM_004009.3); c.1117C>T, p.Leu373Phe (NM_004010.3); short protein forms L373F, L496F, L488F, L492F.
Identifiers: ClinVar variation 1483863 (VCV001483863.6), dbSNP rs1190770957, ClinGen allele CA412665813.